The following is an entry in ClinVar:

NM_006912.6(RIT1):c.151G>A (p.Asp51Asn)

Gene: RIT1 (Ras like without CAAX 1; minus strand). Cytogenetic location: 1q22.
Variant type: single nucleotide variant.
Coding change: c.151G>A on transcript NM_006912.6 (MANE Select); coding-DNA position 151, G replaced by A.
Protein change: p.Asp51Asn; replaces aspartic acid 51 with asparagine.
Molecular consequence: missense variant.
Genome position (GRCh38, 1-based): chr1:155,910,462, C>T on the plus strand (G>A on the coding strand, the complement: RIT1 is on the minus strand). VCF-style: chr1-155910462-C-T. GRCh37 (hg19) VCF-style: chr1-155880253-C-T.
Other names: c.43G>A, p.Asp15Asn (NM_001256820.2); c.202G>A, p.Asp68Asn (NM_001256821.2); short protein forms D15N, D51N, D68N.
Identifiers: ClinVar variation 3225952 (VCV003225952.1), dbSNP rs869025190, ClinGen allele CA342775971.
Genomic context (GRCh38, chr1:155,910,462, plus strand): 5'-ATATTTTTATGGGGTATATTTGGAAACATAAGTGATGATCTGGCTTACCAATGGTGGGAT[C>T]ATGATCTTCTGGGAATCGGTGGCTGATGAACTGCATGGTCATGGCTTCAAAAGAAGAAAT-3'
Protein context (NP_008843.1, residues 41-61): FISHRFPEDH[Asp51Asn]PTIEDAYKIR

ClinVar aggregate classification (germline): Uncertain significance (1 of 4 stars; one submission).

Conditions:
Cardiovascular phenotype. Identifiers: MedGen CN230736.

Submission:

Ambry Genetics
Classification: Uncertain significance for Cardiovascular phenotype. Last evaluated: 2023-10-20. Review status: criteria provided, single submitter. Criteria: Ambry Variant Classification Scheme 2023. Collection method: clinical testing. Allele origin: germline.
Comment: The p.D51N variant (also known as c.151G>A), located in coding exon 2 of the RIT1 gene, results from a G to A substitution at nucleotide position 151. The aspartic acid at codon 51 is replaced by asparagine, an amino acid with highly similar properties. This amino acid position is conserved. In addition, this alteration is predicted to be tolerated by in silico analysis. Since supporting evidence is limited at this time, the clinical significance of this alteration remains unclear.